The following is an entry in ClinVar:

ClinVar aggregate classification (germline): Uncertain significance. Review status: criteria provided, multiple submitters, no conflicts (2 of 4 stars). 3 submissions from 3 submitters: Uncertain significance (3). Last evaluated 2025-01-03.

Conditions:
Charcot-Marie-Tooth disease axonal type 2O. Also called: CHARCOT-MARIE-TOOTH NEUROPATHY, AXONAL, TYPE 2O; CHARCOT-MARIE-TOOTH DISEASE, AXONAL, AUTOSOMAL DOMINANT, TYPE 2O; Charcot-Marie-Tooth Neuropathy Type 2O; Charcot-Marie-Tooth disease, axonal, type 20. Identifiers: Orphanet 284232, MedGen C3280220, MONDO:0013644, OMIM 614228.

gnomAD v4.1: 2 of 1,614,104 alleles (0.00012%); highest among the groups gnomAD compares: Non-Finnish European, 0.00017%; no homozygotes.

Submissions (3):

GeneDx
Classification: Uncertain significance. Last evaluated: 2025-01-03. Review status: criteria provided, single submitter. Criteria: GeneDx Variant Classification Process June 2021. Collection method: clinical testing. Allele origin: germline. Affected: yes.
Comment: Not observed at significant frequency in large population cohorts (gnomAD); In silico analysis indicates that this missense variant does not alter protein structure/function; Has not been previously published as pathogenic or benign to our knowledge; This variant is associated with the following publications: (PMID: 26100331, 25512093, 25609763)

Labcorp Genetics (formerly Invitae), Labcorp
Classification: Uncertain significance for Charcot-Marie-Tooth disease axonal type 2O. Last evaluated: 2021-03-24. Review status: criteria provided, single submitter. Criteria: Invitae Variant Classification Sherloc (09022015). Collection method: clinical testing. Allele origin: germline.
Comment: In summary, the available evidence is currently insufficient to determine the role of this variant in disease. Therefore, it has been classified as a Variant of Uncertain Significance. Advanced modeling of protein sequence and biophysical properties (such as structural, functional, and spatial information, amino acid conservation, physicochemical variation, residue mobility, and thermodynamic stability) performed at Invitae indicates that this missense variant is not expected to disrupt DYNC1H1 protein function. This variant has not been reported in the literature in individuals with DYNC1H1-related conditions. This variant is not present in population databases (ExAC no frequency). This sequence change replaces methionine with lysine at codon 3276 of the DYNC1H1 protein (p.Met3276Lys). The methionine residue is moderately conserved and there is a moderate physicochemical difference between methionine and lysine.

Blueprint Genetics
Classification: Uncertain significance. Last evaluated: 2020-08-30. Review status: criteria provided, single submitter. Criteria: ACMG Guidelines, 2015. Collection method: clinical testing. Allele origin: germline.

NM_001376.5(DYNC1H1):c.9827T>A (p.Met3276Lys)

Gene: DYNC1H1 (dynein cytoplasmic 1 heavy chain 1; plus strand). Cytogenetic location: 14q32.31.
Variant type: single nucleotide variant.
Coding change: c.9827T>A on transcript NM_001376.5 (MANE Select); coding-DNA position 9827, T replaced by A.
Protein change: p.Met3276Lys; replaces methionine 3276 with lysine.
Molecular consequence: missense variant.
Genome position (GRCh38, 1-based): chr14:102,030,226, T>A. VCF-style: chr14-102030226-T-A. GRCh37 (hg19) VCF-style: chr14-102496563-T-A.
Other names: c.9827T>A (NM_001376.4); short protein forms M3276K.
Identifiers: ClinVar variation 1378068 (VCV001378068.10), dbSNP rs1199619119, ClinGen allele CA391018203.